The following is an entry in ClinVar:

ClinVar aggregate classification (germline): Uncertain significance. Review status: criteria provided, multiple submitters, no conflicts (2 of 4 stars). 2 submissions from 2 submitters: Uncertain significance (2). Last evaluated 2024-02-24.

Conditions:
Muscular dystrophy-dystroglycanopathy (congenital with impaired intellectual development), type B, 1. Also called: Muscular dystrophy-dystroglycanopathy (congenital with intellectual disability), type B1; MUSCULAR DYSTROPHY, CONGENITAL, POMT1-RELATED. Identifiers: MedGen C5436962, MONDO:0013159, OMIM 613155.
Walker-Warburg congenital muscular dystrophy. Also called: Muscular dystrophy-dystroglycanopathy, type A; Walker-Warburg syndrome. Identifiers: Orphanet 899, MedGen C0265221, MONDO:0000171.
Autosomal recessive limb-girdle muscular dystrophy type 2K. Also called: MUSCULAR DYSTROPHY-DYSTROGLYCANOPATHY (LIMB-GIRDLE), TYPE C, 1; MUSCULAR DYSTROPHY, LIMB-GIRDLE, TYPE 2K. Identifiers: Orphanet 86812, MedGen C1836373, MONDO:0012248, OMIM 609308.

Allele frequency attached by ClinVar (database versions not stated): ExAC 0.00001; gnomAD 0.00001; TOPMed 0.00001; 1000 Genomes Project 30x 0.00016; 1000 Genomes Project 0.00020.
gnomAD v4.1: 11 of 1,614,068 alleles (0.00068%); highest among the groups gnomAD compares: East Asian, 0.025%; no homozygotes.

Submissions (2):

Labcorp Genetics (formerly Invitae), Labcorp
Classification: Uncertain significance for Muscular dystrophy-dystroglycanopathy (congenital with impaired intellectual development), type B, 1; Walker-Warburg congenital muscular dystrophy; Autosomal recessive limb-girdle muscular dystrophy type 2K. Last evaluated: 2024-02-24. Review status: criteria provided, single submitter. Criteria: Invitae Variant Classification Sherloc (09022015). Collection method: clinical testing. Allele origin: germline.
Comment: This sequence change replaces leucine, which is neutral and non-polar, with phenylalanine, which is neutral and non-polar, at codon 306 of the POMT1 protein (p.Leu306Phe). This variant is present in population databases (rs118032649, gnomAD 0.02%). This variant has not been reported in the literature in individuals affected with POMT1-related conditions. ClinVar contains an entry for this variant (Variation ID: 2089187). Advanced modeling of protein sequence and biophysical properties (such as structural, functional, and spatial information, amino acid conservation, physicochemical variation, residue mobility, and thermodynamic stability) has been performed at Invitae for this missense variant, however the output from this modeling did not meet the statistical confidence thresholds required to predict the impact of this variant on POMT1 protein function. In summary, the available evidence is currently insufficient to determine the role of this variant in disease. Therefore, it has been classified as a Variant of Uncertain Significance.

Revvity Omics, Revvity
Classification: Uncertain significance. Last evaluated: 2023-04-26. Review status: criteria provided, single submitter. Criteria: ACMG Guidelines, 2015. Collection method: clinical testing. Allele origin: germline.

NM_001077365.2(POMT1):c.852A>T (p.Leu284Phe)

Gene: POMT1 (protein O-mannosyltransferase 1; plus strand). Cytogenetic location: 9q34.13.
Variant type: single nucleotide variant.
Coding change: c.852A>T on transcript NM_001077365.2 (MANE Select); coding-DNA position 852, A replaced by T.
Protein change: p.Leu284Phe; replaces leucine 284 with phenylalanine.
Molecular consequence: missense variant. On other transcripts: nonsense (1), non-coding transcript variant (10).
Genome position (GRCh38, 1-based): chr9:131,510,412, A>T. VCF-style: chr9-131510412-A-T. GRCh37 (hg19) VCF-style: chr9-134385799-A-T.
Other names: c.690A>T, p.Leu230Phe (NM_001077366.2, NM_001353194.2, NM_001374693.1); c.852A>T, p.Leu284Phe (NM_001136113.2, NM_001374690.1); c.501A>T, p.Leu167Phe (NM_001136114.2, NM_001353195.2, NM_001374691.1 and 1 more transcripts); c.918A>T, p.Leu306Phe (NM_001353193.2, NM_007171.4); c.762A>T, p.Leu254Phe (NM_001353196.2); c.756A>T, p.Leu252Phe (NM_001353197.2, NM_001353198.2); c.567A>T, p.Leu189Phe (NM_001353199.2); c.396A>T, p.Leu132Phe (NM_001353200.2); and 4 more; short protein forms L189F, L284F, L306F, R279*, L154F, L132F, L167F, L254F.
Identifiers: ClinVar variation 2089187 (VCV002089187.5), dbSNP rs118032649, ClinGen allele CA5293452.
Genomic context (GRCh38, chr9:131,510,412, plus strand): 5'-TCTAGTCTTCCGCTCTGGGCCCCACGACCAAATCATGTCCAGTGCCTTCCAGGCCAGCTT[A>T]GAGGTAAGTAAGCAGTGGGCATCGTGGCCACTGGAGAAGGAAGATGATAGTGGACCCAGA-3'
Protein context (NP_001070833.1, residues 274-294): QIMSSAFQAS[Leu284Phe]EGGLARITQG